The following is an entry in ClinVar:

ClinVar aggregate classification (germline): Conflicting classifications of pathogenicity. Review status: criteria provided, conflicting classifications (1 of 4 stars). 5 submissions from 5 submitters: Uncertain significance (4); Likely benign (1). Last evaluated 2025-10-06.

Conditions:
Hereditary spastic paraplegia 73. Also called: Spastic paraplegia 73, autosomal dominant. Identifiers: Orphanet 444099, MedGen C5568981, MONDO:0014568, OMIM 616282.

Allele frequency attached by ClinVar (database versions not stated): gnomAD 0.00011 and 0.00009; ExAC 0.00012; gnomAD exomes 0.00013 and 0.00011; TOPMed 0.00012; 1000 Genomes Project 0.00020; ESP Exome Variant Server 0.00023; 1000 Genomes Project 30x 0.00031.
gnomAD v4.1: 211 of 1,613,570 alleles (0.013%); highest among the groups gnomAD compares: East Asian, 0.06%; no homozygotes.

Submissions (5):

Labcorp Genetics (formerly Invitae), Labcorp
Classification: Uncertain significance for Hereditary spastic paraplegia 73. Last evaluated: 2025-10-06. Review status: criteria provided, single submitter. Criteria: Invitae Variant Classification Sherloc (09022015). Collection method: clinical testing. Allele origin: germline.
Comment: This sequence change replaces valine, which is neutral and non-polar, with methionine, which is neutral and non-polar, at codon 621 of the CPT1C protein (p.Val621Met). This variant is present in population databases (rs141139944, gnomAD 0.02%). This variant has not been reported in the literature in individuals affected with CPT1C-related conditions. ClinVar contains an entry for this variant (Variation ID: 1001747). Invitae Evidence Modeling of protein sequence and biophysical properties (such as structural, functional, and spatial information, amino acid conservation, physicochemical variation, residue mobility, and thermodynamic stability) indicates that this missense variant is not expected to disrupt CPT1C protein function with a negative predictive value of 80%. In summary, the available evidence is currently insufficient to determine the role of this variant in disease. Therefore, it has been classified as a Variant of Uncertain Significance.

Ambry Genetics
Classification: Uncertain significance. Last evaluated: 2025-08-13. Review status: criteria provided, single submitter. Criteria: Ambry Variant Classification Scheme 2023. Collection method: clinical testing. Allele origin: germline.

Mayo Clinic Laboratories, Mayo Clinic
Classification: Uncertain significance. Last evaluated: 2025-01-29. Review status: criteria provided, single submitter. Criteria: ACMG Guidelines, 2015. Collection method: clinical testing. Allele origin: germline. Observed: 1 variant allele.
Comment: BP4

Revvity Omics, Revvity
Classification: Uncertain significance for Hereditary spastic paraplegia 73. Last evaluated: 2021-12-31. Review status: criteria provided, single submitter. Criteria: ACMG Guidelines, 2015. Collection method: clinical testing. Allele origin: germline.

Department of Pathology and Laboratory Medicine, Sinai Health System
Classification: Likely benign for Hereditary spastic paraplegia 73. Last evaluated: 2020-10-15. Review status: criteria provided, single submitter. Criteria: ACMG Guidelines, 2015. Collection method: research. Allele origin: germline.

NM_001199753.2(CPT1C):c.1894G>A (p.Val632Met)

Gene: CPT1C (carnitine palmitoyltransferase 1C; plus strand). Cytogenetic location: 19q13.33.
Variant type: single nucleotide variant.
Coding change: c.1894G>A on transcript NM_001199753.2 (MANE Select); coding-DNA position 1894, G replaced by A.
Protein change: p.Val632Met; replaces valine 632 with methionine.
Molecular consequence: missense variant. On other transcripts: non-coding transcript variant (1).
Genome position (GRCh38, 1-based): chr19:49,711,836, G>A. VCF-style: chr19-49711836-G-A. GRCh37 (hg19) VCF-style: chr19-50215093-G-A.
Other names: p.Val621Met; c.1861G>A, p.Val621Met (NM_001136052.3, NM_001378485.1); c.1894G>A, p.Val632Met (NM_001199752.3, NM_001378483.1, NM_001378484.1 and 1 more transcripts); c.1960G>A, p.Val654Met (NM_001378482.1); c.1759G>A, p.Val587Met (NM_001378486.1, NM_001378488.1); c.1726G>A, p.Val576Met (NM_001378487.1); c.1861G>A (NM_001136052.2); c.1894G>A (NM_001199752.1); short protein forms V576M, V587M, V621M, V632M, V654M.
Identifiers: ClinVar variation 1001747 (VCV001001747.13), dbSNP rs141139944, ClinGen allele CA9582360.